The following is an entry in ClinVar:

NM_170707.4(LMNA):c.356+310T>C

Gene: LMNA (lamin A/C; plus strand). Cytogenetic location: 1q22.
Variant type: single nucleotide variant.
Coding change: c.356+310T>C on transcript NM_170707.4 (MANE Select); 310 bases into the intron after coding-DNA position 356, T replaced by C.
Molecular consequence: intron variant.
Genome position (GRCh38, 1-based): chr1:156,115,584, T>C. VCF-style: chr1-156115584-T-C. GRCh37 (hg19) VCF-style: chr1-156085375-T-C.
Other names: c.356+310T>C (NM_001282625.2, NM_001282626.2, NM_170708.4 and 1 more transcripts).
Identifiers: ClinVar variation 683622 (VCV000683622.1), dbSNP rs547915, ClinGen allele CA10816007.

ClinVar aggregate classification (germline): Benign (1 of 4 stars; one submission).

Allele frequency attached by ClinVar (database versions not stated): 1000 Genomes Project 30x 0.77155; 1000 Genomes Project 0.77995; TOPMed 0.78676; gnomAD 0.79271 and 0.79990.
gnomAD v4.1: 121,869 of 152,120 alleles (80%); highest among the groups gnomAD compares: East Asian, 98%; 51,962 homozygotes.

Submission:

GeneDx
Classification: Benign. Last evaluated: 2018-06-18. Review status: criteria provided, single submitter. Criteria: GeneDx Variant Classification (06012015). Collection method: clinical testing. Allele origin: germline. Affected: yes.
Comment: This variant is considered likely benign or benign based on one or more of the following criteria: it is a conservative change, it occurs at a poorly conserved position in the protein, it is predicted to be benign by multiple in silico algorithms, and/or has population frequency not consistent with disease.